The following is an entry in ClinVar:

NM_138694.4(PKHD1):c.932C>T (p.Thr311Ile)

Gene: PKHD1 (PKHD1 ciliary IPT domain containing fibrocystin/polyductin; minus strand). Cytogenetic location: 6p12.2.
Variant type: single nucleotide variant.
Coding change: c.932C>T on transcript NM_138694.4 (MANE Select); coding-DNA position 932, C replaced by T.
Protein change: p.Thr311Ile; replaces threonine 311 with isoleucine.
Molecular consequence: missense variant.
Genome position (GRCh38, 1-based): chr6:52,064,999, G>A on the plus strand (C>T on the coding strand, the complement: PKHD1 is on the minus strand). VCF-style: chr6-52064999-G-A. GRCh37 (hg19) VCF-style: chr6-51929797-G-A.
Other names: c.932C>T, p.Thr311Ile (NM_170724.3); short protein forms T311I.
Identifiers: ClinVar variation 2711036 (VCV002711036.3), dbSNP rs2533478138, ClinGen allele CA364429522.

ClinVar aggregate classification (germline): Likely pathogenic (1 of 4 stars; one submission).

Conditions:
Autosomal recessive polycystic kidney disease (ARPKD). Also called: AR polycystic kidney disease. Identifiers: Orphanet 731, Orphanet 8378, MedGen C0085548, MeSH D017044, MONDO:0009889.

Allele frequency attached by ClinVar (database versions not stated): gnomAD exomes below 0.00001.
gnomAD v4.1: 1 of 1,604,670 alleles (0.000062%); highest among the groups gnomAD compares: South Asian, 0.0011%; no homozygotes.

Submission:

Labcorp Genetics (formerly Invitae), Labcorp
Classification: Likely pathogenic for Autosomal recessive polycystic kidney disease. Last evaluated: 2023-06-10. Review status: criteria provided, single submitter. Criteria: Invitae Variant Classification Sherloc (09022015). Collection method: clinical testing. Allele origin: germline.
Comment: In summary, the currently available evidence indicates that the variant is pathogenic, but additional data are needed to prove that conclusively. Therefore, this variant has been classified as Likely Pathogenic. This variant disrupts the p.Thr311 amino acid residue in PKHD1. Other variant(s) that disrupt this residue have been determined to be pathogenic (PMID: 26385851). This suggests that this residue is clinically significant, and that variants that disrupt this residue are likely to be disease-causing. Advanced modeling of protein sequence and biophysical properties (such as structural, functional, and spatial information, amino acid conservation, physicochemical variation, residue mobility, and thermodynamic stability) performed at Invitae indicates that this missense variant is expected to disrupt PKHD1 protein function. This variant has not been reported in the literature in individuals affected with PKHD1-related conditions. This variant is not present in population databases (gnomAD no frequency). This sequence change replaces threonine, which is neutral and polar, with isoleucine, which is neutral and non-polar, at codon 311 of the PKHD1 protein (p.Thr311Ile).

Literature cited by the submitters: PubMed 26385851.